The following is an entry in ClinVar:

NM_001034853.2(RPGR):c.628G>T (p.Glu210Ter)

Gene: RPGR (retinitis pigmentosa GTPase regulator; minus strand). Cytogenetic location: Xp11.4.
Variant type: single nucleotide variant.
Coding change: c.628G>T on transcript NM_001034853.2 (MANE Select); coding-DNA position 628, G replaced by T.
Protein change: p.Glu210Ter; replaces glutamic acid 210 with a stop codon.
Molecular consequence: nonsense. On other transcripts: non-coding transcript variant (6).
Genome position (GRCh38, 1-based): chrX:38,310,765, C>A on the plus strand (G>T on the coding strand, the complement: RPGR is on the minus strand). VCF-style: chrX-38310765-C-A. GRCh37 (hg19) VCF-style: chrX-38170018-C-A.
Other names: NM_001034853.2:c.628G>T; c.628G>T, p.Glu210Ter (NM_000328.3, NM_001367246.1, NM_001367247.1 and 1 more transcripts); c.625G>T, p.Glu209Ter (NM_001367245.1, NM_001367249.1, NM_001367250.1); c.658G>T, p.Glu220Ter (NM_001367248.1); short protein forms E209*, E210*, E220*.
Identifiers: ClinVar variation 4082159 (VCV004082159.1).
Genomic context (GRCh38, chrX:38,310,765, plus strand): 5'-CCAGGAGCTGATTGGGAAGACCTAACTTCCCATTCTCAGGTTCTCCAAACACATATAGCT[C>A]ACCATCTGCTATTGAAGGAAAAGTATAGTGATTAGTGATGACATACATATGAACAAAAAG-3'

ClinVar aggregate classification (germline): Likely pathogenic (3 of 4 stars; one submission).

Conditions:
RPGR-related retinopathy. Also called: RPGR retinopathy. Identifiers: MedGen CN305589, MONDO:0100437.

Submission:

ClinGen X-linked Inherited Retinal Disease Variant Curation Expert Panel, ClinGen
Classification: Likely pathogenic for RPGR-related retinopathy. Last evaluated: 2025-09-07. Review status: reviewed by expert panel. Criteria: ClinGen X LinkedIRD ACMG Specifications RPGR V1.0.0. Collection method: curation. Allele origin: germline. Inheritance: X-linked inheritance.
Comment: NM_001034853.2(RPGR):c.628G>T (p.Glu210Ter) is a nonsense variant introducing a premature stop in codon 210 within exon 7 of 15, which is predicted to trigger nonsense-mediated decay (PVS1). This variant is absent from gnomAD v4.1.0 (PM2_Supporting). This variant has been reported in at least 1 proband (PMID: 31645972, PMID: 36284460), however, the individual did not meet one of the PS4 requirements of some functional vision impairment in affected males by age 30 years and/or decreased or absent electroretinogram responses, so PS4_Supporting was not met. In summary, this variant is classified as likely pathogenic for RPGR-related retinopathy based on the ClinGen X-linked Inherited Retinal Disease Expert Panel Specifications to the ACMG/AMP Variant Interpretation Guidelines for RPGR Version 1.0.0; PVS1 and PM2_Supporting.